The following is an entry in ClinVar:

ClinVar aggregate classification (germline): Pathogenic (1 of 4 stars; one submission).

Conditions:
Neurofibromatosis, type 1 (NF1). Also called: Neurofibromatosis, type I; Peripheral type neurofibromatosis; VON RECKLINGHAUSEN DISEASE; NEUROFIBROMATOSIS, TYPE I, SOMATIC. Identifiers: Orphanet 636, MedGen C0027831, MONDO:0018975, OMIM 162200. Disease mechanism: loss of function.

Submission:

Labcorp Genetics (formerly Invitae), Labcorp
Classification: Pathogenic for Neurofibromatosis, type 1. Last evaluated: 2022-06-29. Review status: criteria provided, single submitter. Criteria: Invitae Variant Classification Sherloc (09022015). Collection method: clinical testing. Allele origin: germline.
Comment: For these reasons, this variant has been classified as Pathogenic. This variant has not been reported in the literature in individuals affected with NF1-related conditions. This variant is not present in population databases (gnomAD no frequency). This sequence change creates a premature translational stop signal (p.Ser382Leufs*13) in the NF1 gene. It is expected to result in an absent or disrupted protein product. Loss-of-function variants in NF1 are known to be pathogenic (PMID: 10712197, 23913538).

Literature cited by the submitters: PubMed 10712197; PubMed 23913538.

NM_001042492.3(NF1):c.1145_1146del (p.Ser382fs)

Gene: NF1 (neurofibromin 1; plus strand). Cytogenetic location: 17q11.2.
Variant type: Deletion.
Coding change: c.1145_1146del on transcript NM_001042492.3 (MANE Select); coding-DNA positions 1145 to 1146, 2 bases deleted (CT; older notation c.1145_1146delCT).
Protein change: p.Ser382fs; shifts the reading frame from serine 382.
Molecular consequence: frameshift variant.
Genome position (GRCh38, 1-based): chr17:31,201,119-31,201,120, CT deleted; deleting any 2 consecutive bases within chr17:31,201,118-31,201,120 gives the same sequence; the c. name uses the placement nearest the transcript's 3' end. VCF-style (leftmost placement, unchanged base first): chr17-31201117-TTC-T. GRCh37 (hg19) VCF-style: chr17-29528135-TTC-T.
Other names: c.1145_1146delCT, p.Ser382Leufs (NM_000267.4); c.1145_1146del, p.Ser382fs (NM_001128147.3); short protein forms S382fs.
Identifiers: ClinVar variation 2012030 (VCV002012030.4), dbSNP rs2544797248, ClinGen allele CA2580092924.